The following is an entry in ClinVar:

ClinVar aggregate classification (germline): Benign/Likely benign. Review status: criteria provided, multiple submitters, no conflicts (2 of 4 stars). 2 submissions from 2 submitters: Benign (1); Likely benign (1). Last evaluated 2025-07-01.

Allele frequency attached by ClinVar (database versions not stated): TOPMed 0.00004; gnomAD 0.00005; ESP Exome Variant Server 0.00008; ExAC 0.00012; gnomAD exomes 0.00015; 1000 Genomes Project 0.00020; 1000 Genomes Project 30x 0.00047.
gnomAD v4.1: 230 of 1,614,154 alleles (0.014%); highest among the groups gnomAD compares: South Asian, 0.08%; no homozygotes.

Submissions (2):

CeGaT Center for Human Genetics Tuebingen
Classification: Likely benign. Last evaluated: 2025-07-01. Review status: criteria provided, single submitter. Criteria: CeGaT Center For Human Genetics Tuebingen Variant Classification Criteria Version 2. Collection method: clinical testing. Allele origin: germline. Affected: yes. Observed: 1 variant allele.
Comment: EIF2AK2: BP4, BP7

Labcorp Genetics (formerly Invitae), Labcorp
Classification: Benign. Last evaluated: 2025-05-01. Review status: criteria provided, single submitter. Criteria: Invitae Variant Classification Sherloc (09022015). Collection method: clinical testing. Allele origin: germline.

NM_001135651.3(EIF2AK2):c.1416C>T (p.Tyr472=)

Gene: EIF2AK2 (eukaryotic translation initiation factor 2 alpha kinase 2; minus strand). Cytogenetic location: 2p22.2.
Variant type: single nucleotide variant.
Coding change: c.1416C>T on transcript NM_001135651.3 (MANE Select); coding-DNA position 1416, C replaced by T.
Protein change: p.Tyr472=; no amino-acid change (tyrosine 472 retained).
Molecular consequence: synonymous variant.
Genome position (GRCh38, 1-based): chr2:37,109,257, G>A on the plus strand (C>T on the coding strand, the complement: EIF2AK2 is on the minus strand). VCF-style: chr2-37109257-G-A. GRCh37 (hg19) VCF-style: chr2-37336400-G-A.
Other names: c.1293C>T, p.Tyr431= (NM_001135652.3); c.1416C>T, p.Tyr472= (NM_002759.4).
Identifiers: ClinVar variation 2158809 (VCV002158809.11), dbSNP rs376530608, ClinGen allele CA1615002.
Genomic context (GRCh38, chr2:37,109,257, plus strand): 5'-TGATGTTTCAAAAGCAGTGTCACATACATGAAGAAGTTCAGCAAGAATTAGCCCCAAAGC[G>A]TAGAGGTCCACTTCCTTTCCATAGTCTTGCGAAGAAATCTAAAGAGACCAAAATAGATTT-3'
Protein context (NP_001129123.1, residues 462-482): SQDYGKEVDL[Tyr472=]ALGLILAELL